The following is an entry in ClinVar:

ClinVar aggregate classification (germline): Uncertain significance (1 of 4 stars; one submission).

Allele frequency attached by ClinVar (database versions not stated): TOPMed below 0.00001.
gnomAD v4.1: 3 of 1,614,126 alleles (0.00019%); highest among the groups gnomAD compares: African/African-American, 0.0027%; no homozygotes.

Submission:

Labcorp Genetics (formerly Invitae), Labcorp
Classification: Uncertain significance. Last evaluated: 2024-08-30. Review status: criteria provided, single submitter. Criteria: Invitae Variant Classification Sherloc (09022015). Collection method: clinical testing. Allele origin: germline.
Comment: This sequence change replaces leucine, which is neutral and non-polar, with valine, which is neutral and non-polar, at codon 131 of the TRAP1 protein (p.Leu131Val). This variant is not present in population databases (gnomAD no frequency). This variant has not been reported in the literature in individuals affected with TRAP1-related conditions. Invitae Evidence Modeling of protein sequence and biophysical properties (such as structural, functional, and spatial information, amino acid conservation, physicochemical variation, residue mobility, and thermodynamic stability) indicates that this missense variant is not expected to disrupt TRAP1 protein function with a negative predictive value of 80%. In summary, the available evidence is currently insufficient to determine the role of this variant in disease. Therefore, it has been classified as a Variant of Uncertain Significance.

NM_016292.3(TRAP1):c.391C>G (p.Leu131Val)

Gene: TRAP1 (TNF receptor associated protein 1; minus strand). Cytogenetic location: 16p13.3.
Variant type: single nucleotide variant.
Coding change: c.391C>G on transcript NM_016292.3 (MANE Select); coding-DNA position 391, C replaced by G.
Protein change: p.Leu131Val; replaces leucine 131 with valine.
Molecular consequence: missense variant.
Genome position (GRCh38, 1-based): chr16:3,686,076, G>C on the plus strand (C>G on the coding strand, the complement: TRAP1 is on the minus strand). VCF-style: chr16-3686076-G-C. GRCh37 (hg19) VCF-style: chr16-3736077-G-C.
Other names: c.232C>G, p.Leu78Val (NM_001272049.2); short protein forms L78V, L131V.
Identifiers: ClinVar variation 2972276 (VCV002972276.3), dbSNP rs1026198025, ClinGen allele CA394571486.